The following is an entry in ClinVar:

NM_002109.6(HARS1):c.1192G>C (p.Glu398Gln)

Gene: HARS1 (histidyl-tRNA synthetase 1; minus strand). Cytogenetic location: 5q31.3.
Variant type: single nucleotide variant.
Coding change: c.1192G>C on transcript NM_002109.6 (MANE Select); coding-DNA position 1192, G replaced by C.
Protein change: p.Glu398Gln; replaces glutamic acid 398 with glutamine.
Molecular consequence: missense variant.
Genome position (GRCh38, 1-based): chr5:140,676,656, C>G on the plus strand (G>C on the coding strand, the complement: HARS1 is on the minus strand). VCF-style: chr5-140676656-C-G. GRCh37 (hg19) VCF-style: chr5-140056241-C-G.
Other names: c.1072G>C, p.Glu358Gln (NM_001258040.3); c.1132G>C, p.Glu378Gln (NM_001258041.3); c.1012G>C, p.Glu338Gln (NM_001258042.3); c.970G>C, p.Glu324Gln (NM_001289092.2); c.850G>C, p.Glu284Gln (NM_001289093.2); c.1105G>C, p.Glu369Gln (NM_001289094.2); short protein forms E324Q, E369Q, E378Q, E338Q, E358Q, E398Q, E284Q.
Identifiers: ClinVar variation 4749607 (VCV004749607.1).

ClinVar aggregate classification (germline): Uncertain significance (1 of 4 stars; one submission).

Conditions:
Usher syndrome type 3B. Also called: USHER SYNDROME, TYPE IIIB. Identifiers: MedGen C3281066, MONDO:0013788, OMIM 614504.

gnomAD v4.1: 5 of 1,614,200 alleles (0.00031%); highest among the groups gnomAD compares: Admixed American, 0.0083%; no homozygotes.

Submission:

Labcorp Genetics (formerly Invitae), Labcorp
Classification: Uncertain significance for Usher syndrome type 3B. Last evaluated: 2025-04-11. Review status: criteria provided, single submitter. Criteria: Invitae Variant Classification Sherloc (09022015). Collection method: clinical testing. Allele origin: germline.
Comment: This sequence change replaces glutamic acid, which is acidic and polar, with glutamine, which is neutral and polar, at codon 398 of the HARS protein (p.Glu398Gln). This variant is present in population databases (rs768069083, gnomAD 0.01%). This variant has not been reported in the literature in individuals affected with HARS-related conditions. An algorithm developed to predict the effect of missense changes on protein structure and function (PolyPhen-2) suggests that this variant is likely to be tolerated. In summary, the available evidence is currently insufficient to determine the role of this variant in disease. Therefore, it has been classified as a Variant of Uncertain Significance.